The following is an entry in ClinVar:

ClinVar aggregate classification (germline): Benign/Likely benign. Review status: criteria provided, multiple submitters, no conflicts (2 of 4 stars). 7 submissions from 7 submitters: Benign (2); Likely benign (3). 2 of the submissions do not count toward it. Last evaluated 2026-01-28.

Conditions:
Methylmalonic acidemia with homocystinuria, type cblX (MAHCX). Also called: INTELLECTUAL DEVELOPMENTAL DISORDER, X-LINKED 3. Identifiers: Orphanet 369962, MedGen C0796208, MONDO:0010657, OMIM 309541.

Allele frequency attached by ClinVar (database versions not stated): gnomAD exomes 0.00135 and 0.00106; 1000 Genomes Project 0.00265; 1000 Genomes Project 30x 0.00291; ESP Exome Variant Server 0.00096; gnomAD 0.00101 and 0.00112; ExAC 0.00122; TOPMed 0.00133.
gnomAD v4.1: 1,295 of 1,199,627 alleles (0.11%); highest among the groups gnomAD compares: Middle Eastern, 0.63%; 3 homozygotes.

Submissions (7):

Labcorp Genetics (formerly Invitae), Labcorp
Classification: Benign for Methylmalonic acidemia with homocystinuria, type cblX. Last evaluated: 2026-01-28. Review status: criteria provided, single submitter. Criteria: Invitae Variant Classification Sherloc (09022015). Collection method: clinical testing. Allele origin: germline.

Blueprint Genetics
Classification: Likely benign. Last evaluated: 2024-11-20. Review status: criteria provided, single submitter. Criteria: ACMG Guidelines, 2015. Collection method: clinical testing. Allele origin: germline.

CeGaT Center for Human Genetics Tuebingen
Classification: Likely benign. Last evaluated: 2018-04-01. Review status: criteria provided, single submitter. Criteria: CeGaT Center For Human Genetics Tuebingen Variant Classification Criteria Version 2. Collection method: clinical testing. Allele origin: germline. Affected: yes. Observed: 1 variant allele.

GeneDx
Classification: Benign. Last evaluated: 2016-06-12. Review status: criteria provided, single submitter. Criteria: GeneDx Variant Classification (06012015). Collection method: clinical testing. Allele origin: germline. Affected: yes.
Comment: This variant is considered likely benign or benign based on one or more of the following criteria: it is a conservative change, it occurs at a poorly conserved position in the protein, it is predicted to be benign by multiple in silico algorithms, and/or has population frequency not consistent with disease.

Breakthrough Genomics
Classification: Likely benign. Review status: criteria provided, single submitter. Criteria: ACMG Guidelines, 2015. Collection method: not provided. Allele origin: germline. Inheritance: X-linked inheritance. Affected: yes.

Clinical Genetics DNA and cytogenetics Diagnostics Lab, Erasmus MC, Erasmus Medical Center
Classification: Benign. Review status: no assertion criteria provided. Collection method: clinical testing. Allele origin: germline. Affected: yes. Study: VKGL Data-share Consensus. Not counted in ClinVar's aggregate classification.

Genome Diagnostics Laboratory, University Medical Center Utrecht
Classification: Benign. Review status: no assertion criteria provided. Collection method: clinical testing. Allele origin: germline. Affected: yes. Study: VKGL Data-share Consensus. Not counted in ClinVar's aggregate classification.

NM_005334.3(HCFC1):c.4068C>T (p.Pro1356=)

Gene: HCFC1 (host cell factor C1; minus strand). Cytogenetic location: Xq28.
Variant type: single nucleotide variant.
Coding change: c.4068C>T on transcript NM_005334.3 (MANE Select); coding-DNA position 4068, C replaced by T.
Protein change: p.Pro1356=; no amino-acid change (proline 1356 retained).
Molecular consequence: synonymous variant.
Genome position (GRCh38, 1-based): chrX:153,954,331, G>A on the plus strand (C>T on the coding strand, the complement: HCFC1 is on the minus strand). VCF-style: chrX-153954331-G-A. GRCh37 (hg19) VCF-style: chrX-153219782-G-A.
Identifiers: ClinVar variation 380171 (VCV000380171.55), dbSNP rs185998087, ClinGen allele CA10557082.